The following is an entry in ClinVar:

ClinVar aggregate classification (germline): Uncertain significance. Review status: criteria provided, multiple submitters, no conflicts (2 of 4 stars). 2 submissions from 2 submitters: Uncertain significance (2). Last evaluated 2025-04-10.

Conditions:
Inborn genetic diseases. Identifiers: MedGen C0950123, MeSH D030342.

gnomAD v4.1: 49 of 1,613,950 alleles (0.003%); highest among the groups gnomAD compares: Non-Finnish European, 0.0041%; no homozygotes.

Submissions (2):

Ambry Genetics
Classification: Uncertain significance for Inborn genetic diseases. Last evaluated: 2025-04-10. Review status: criteria provided, single submitter. Criteria: Ambry Variant Classification Scheme 2023. Collection method: clinical testing. Allele origin: germline.

Labcorp Genetics (formerly Invitae), Labcorp
Classification: Uncertain significance. Last evaluated: 2024-04-22. Review status: criteria provided, single submitter. Criteria: Invitae Variant Classification Sherloc (09022015). Collection method: clinical testing. Allele origin: germline.
Comment: This sequence change replaces alanine, which is neutral and non-polar, with aspartic acid, which is acidic and polar, at codon 1335 of the MYO7A protein (p.Ala1335Asp). This variant is present in population databases (rs781202010, gnomAD 0.0009%). This variant has not been reported in the literature in individuals affected with MYO7A-related conditions. Advanced modeling of protein sequence and biophysical properties (such as structural, functional, and spatial information, amino acid conservation, physicochemical variation, residue mobility, and thermodynamic stability) performed at Invitae indicates that this missense variant is not expected to disrupt MYO7A protein function with a negative predictive value of 95%. In summary, the available evidence is currently insufficient to determine the role of this variant in disease. Therefore, it has been classified as a Variant of Uncertain Significance.

NM_000260.4(MYO7A):c.4004C>A (p.Ala1335Asp)

Gene: MYO7A (myosin VIIA; plus strand). Cytogenetic location: 11q13.5.
Variant type: single nucleotide variant.
Coding change: c.4004C>A on transcript NM_000260.4 (MANE Select); coding-DNA position 4004, C replaced by A.
Protein change: p.Ala1335Asp; replaces alanine 1335 with aspartic acid.
Molecular consequence: missense variant.
Genome position (GRCh38, 1-based): chr11:77,192,130, C>A. VCF-style: chr11-77192130-C-A. GRCh37 (hg19) VCF-style: chr11-76903175-C-A.
Other names: c.4004C>A (NM_000260.3); c.4004C>A, p.Ala1335Asp (NM_001127180.2); c.3971C>A, p.Ala1324Asp (NM_001369365.1); short protein forms A1324D, A1335D.
Identifiers: ClinVar variation 3610492 (VCV003610492.3).